The following is an entry in ClinVar:

ClinVar aggregate classification (germline): Conflicting classifications of pathogenicity. Review status: criteria provided, conflicting classifications (1 of 4 stars). 3 submissions from 3 submitters: Uncertain significance (1); Likely benign (2). Last evaluated 2025-08-11.

Conditions:
Hereditary nonpolyposis colorectal neoplasms. Identifiers: MedGen C0009405, MeSH D003123.
Hereditary cancer-predisposing syndrome. Also called: Hereditary Cancer Syndrome; Tumor predisposition; Neoplastic Syndromes, Hereditary; Hereditary neoplastic syndrome. Identifiers: Orphanet 140162, MedGen C0027672, MeSH D009386, MONDO:0015356.
Lynch syndrome 4 (LYNCH4). Also called: Hereditary non-polyposis colorectal cancer, type 4; Colorectal cancer, hereditary nonpolyposis, type 4. Identifiers: Orphanet 144, MedGen C1838333, MONDO:0013699, OMIM 614337. Disease mechanism: loss of function.

Allele frequency attached by ClinVar (database versions not stated): TOPMed 0.00001.

Submissions (3):

Labcorp Genetics (formerly Invitae), Labcorp
Classification: Likely benign for Hereditary nonpolyposis colorectal neoplasms. Last evaluated: 2025-08-11. Review status: criteria provided, single submitter. Criteria: Invitae Variant Classification Sherloc (09022015). Collection method: clinical testing. Allele origin: germline.

Myriad Genetics, Inc.
Classification: Likely benign for Lynch syndrome 4. Last evaluated: 2025-01-28. Review status: criteria provided, single submitter. Criteria: Myriad Autosomal Dominant, Autosomal Recessive and X-Linked Classification Criteria (2023). Collection method: clinical testing. Allele origin: unknown.
Comment: This variant is considered likely benign. This variant is intronic and is not expected to impact mRNA splicing.

Ambry Genetics
Classification: Uncertain significance for Hereditary cancer-predisposing syndrome. Last evaluated: 2023-05-02. Review status: criteria provided, single submitter. Criteria: Ambry Variant Classification Scheme 2023. Collection method: clinical testing. Allele origin: germline.
Comment: The c.903+5T>G intronic variant results from a T to G substitution 5 nucleotides after coding exon 8 in the PMS2 gene. This nucleotide position is poorly conserved in available vertebrate species. In silico splice site analysis predicts that this alteration will not have any significant effect on splicing. Since supporting evidence is limited at this time, the clinical significance of this alteration remains unclear.

NM_000535.7(PMS2):c.903+5T>G

Gene: PMS2 (PMS1 homolog 2, mismatch repair system component; minus strand). Cytogenetic location: 7p22.1.
Variant type: single nucleotide variant.
Coding change: c.903+5T>G on transcript NM_000535.7 (MANE Select); 5 bases into the intron after coding-DNA position 903, T replaced by G.
Molecular consequence: intron variant.
Genome position (GRCh38, 1-based): chr7:5,995,529, A>C on the plus strand (T>G on the coding strand, the complement: PMS2 is on the minus strand). VCF-style: chr7-5995529-A-C. GRCh37 (hg19) VCF-style: chr7-6035160-A-C.
Other names: c.903+5T>G (NM_000535.5, NM_001322006.2, NM_001322014.2); c.585+5T>G (NM_001322008.2, NM_001322007.2); c.498+5T>G (NM_001322010.2, NM_001322004.2, NM_001322003.2 and 2 more transcripts); c.330+5T>G (NM_001322013.2); c.-31+5T>G (NM_001322012.2, NM_001322011.2); c.594+5T>G (NM_001322015.2).
Identifiers: ClinVar variation 2123308 (VCV002123308.7), dbSNP rs1419635604, ClinGen allele CA840185026.